The following is an entry in ClinVar:

NM_000038.6(APC):c.5565T>G (p.Cys1855Trp)

Gene: APC (APC regulator of Wnt signaling pathway; plus strand). Cytogenetic location: 5q22.2.
Variant type: single nucleotide variant.
Coding change: c.5565T>G on transcript NM_000038.6 (MANE Select); coding-DNA position 5565, T replaced by G.
Protein change: p.Cys1855Trp; replaces cysteine 1855 with tryptophan.
Molecular consequence: missense variant. On other transcripts: non-coding transcript variant (2).
Genome position (GRCh38, 1-based): chr5:112,841,159, T>G. VCF-style: chr5-112841159-T-G. GRCh37 (hg19) VCF-style: chr5-112176856-T-G.
Other names: c.5565T>G, p.Cys1855Trp (NM_001127510.3, NM_001354895.2, NM_001407450.1); c.5511T>G, p.Cys1837Trp (NM_001127511.3); c.5619T>G, p.Cys1873Trp (NM_001354896.2, NM_001407447.1, NM_001407448.1 and 1 more transcripts); c.5595T>G, p.Cys1865Trp (NM_001354897.2); c.5490T>G, p.Cys1830Trp (NM_001354898.2); c.5481T>G, p.Cys1827Trp (NM_001354899.2); c.5442T>G, p.Cys1814Trp (NM_001354900.2); c.5388T>G, p.Cys1796Trp (NM_001354901.2, NM_001407453.1); and 11 more; short protein forms C1695W, C1845W, C1726W, C1764W, C1837W, C1883W, C1754W, C1830W.
Identifiers: ClinVar variation 4577452 (VCV004577452.1).
Genomic context (GRCh38, chr5:112,841,159, plus strand): 5'-AGGAAGTTTTGCTTTTGATTCACCTCATCATTACACGCCTATTGAAGGAACTCCTTACTG[T>G]TTTTCACGAAATGATTCTTTGAGTTCTCTAGATTTTGATGATGATGATGTTGACCTTTCC-3'
Protein context (NP_000029.2, residues 1845-1865): HYTPIEGTPY[Cys1855Trp]FSRNDSLSSL

ClinVar aggregate classification (germline): Uncertain significance (1 of 4 stars; one submission).

Conditions:
Hereditary cancer-predisposing syndrome. Also called: Neoplastic Syndromes, Hereditary; Tumor predisposition; Hereditary Cancer Syndrome; Hereditary neoplastic syndrome. Identifiers: Orphanet 140162, MedGen C0027672, MeSH D009386, MONDO:0015356.

Submission:

Ambry Genetics
Classification: Uncertain significance for Hereditary cancer-predisposing syndrome. Last evaluated: 2025-09-22. Review status: criteria provided, single submitter. Criteria: Ambry Variant Classification Scheme 2023. Collection method: clinical testing. Allele origin: germline.
Comment: The p.C1855W variant (also known as c.5565T>G), located in coding exon 15 of the APC gene, results from a T to G substitution at nucleotide position 5565. The cysteine at codon 1855 is replaced by tryptophan, an amino acid with highly dissimilar properties. This amino acid position is conserved. In addition, in silico predictors for this gene do not accurately predict pathogenicity. Based on the available evidence, the clinical significance of this variant remains unclear.